The following is an entry in ClinVar:

ClinVar aggregate classification (germline): Benign. Review status: criteria provided, multiple submitters, no conflicts (2 of 4 stars). 2 submissions from 2 submitters: Benign (2). Last evaluated 2018-06-16.

Allele frequency attached by ClinVar (database versions not stated): gnomAD exomes 0.00388; ExAC 0.00497; ESP Exome Variant Server 0.01455; 1000 Genomes Project 0.01538; 1000 Genomes Project 30x 0.01593; gnomAD 0.01731; TOPMed 0.01799.
gnomAD v4.1: 4,974 of 1,547,846 alleles (0.32%); highest among the groups gnomAD compares: African/African-American, 5.9%; 153 homozygotes.

Submissions (2):

GeneDx
Classification: Benign. Last evaluated: 2018-06-16. Review status: criteria provided, single submitter. Criteria: GeneDx Variant Classification (06012015). Collection method: clinical testing. Allele origin: germline. Affected: yes.
Comment: This variant is considered likely benign or benign based on one or more of the following criteria: it is a conservative change, it occurs at a poorly conserved position in the protein, it is predicted to be benign by multiple in silico algorithms, and/or has population frequency not consistent with disease.

Breakthrough Genomics
Classification: Benign. Review status: criteria provided, single submitter. Criteria: ACMG Guidelines, 2015. Collection method: not provided. Allele origin: germline. Inheritance: Autosomal dominant inheritance. Affected: yes.

NM_001145809.2(MYH14):c.2354+47C>T

Gene: MYH14 (myosin heavy chain 14; plus strand). Cytogenetic location: 19q13.33.
Variant type: single nucleotide variant.
Coding change: c.2354+47C>T on transcript NM_001145809.2 (MANE Select); 47 bases into the intron after coding-DNA position 2354, C replaced by T.
Molecular consequence: intron variant.
Genome position (GRCh38, 1-based): chr19:50,259,312, C>T. VCF-style: chr19-50259312-C-T. GRCh37 (hg19) VCF-style: chr19-50762569-C-T.
Other names: c.2255+47C>T (NM_001077186.2); c.2231+47C>T (NM_024729.4).
Identifiers: ClinVar variation 678994 (VCV000678994.2), dbSNP rs115140652, ClinGen allele CA9592867.